The following is an entry in ClinVar:

ClinVar aggregate classification (germline): Likely benign. Review status: criteria provided, multiple submitters, no conflicts (2 of 4 stars). 3 submissions from 3 submitters: Likely benign (3). Last evaluated 2025-11-06.

Conditions:
RTTN-related disorder. Also called: RTTN-related condition.

Allele frequency attached by ClinVar (database versions not stated): gnomAD exomes 0.00007 and 0.00020; gnomAD 0.00008 and 0.00015; TOPMed 0.00014; ExAC 0.00020; 1000 Genomes Project 0.00040; 1000 Genomes Project 30x 0.00062.
gnomAD v4.1: 156 of 1,613,472 alleles (0.0097%); highest among the groups gnomAD compares: East Asian, 0.2%; 5 homozygotes.

Submissions (3):

Labcorp Genetics (formerly Invitae), Labcorp
Classification: Likely benign. Last evaluated: 2025-11-06. Review status: criteria provided, single submitter. Criteria: Invitae Variant Classification Sherloc (09022015). Collection method: clinical testing. Allele origin: germline.

PreventionGenetics, part of Exact Sciences
Classification: Likely benign for RTTN-related condition. Last evaluated: 2025-04-04. Review status: criteria provided, single submitter. Criteria: ACMG Guidelines, 2015. Collection method: clinical testing. Allele origin: germline.
Comment: This variant is classified as likely benign based on ACMG/AMP sequence variant interpretation guidelines (Richards et al. 2015 PMID: 25741868, with internal and published modifications).

Blueprint Genetics
Classification: Likely benign. Last evaluated: 2024-09-19. Review status: criteria provided, single submitter. Criteria: ACMG Guidelines, 2015. Collection method: clinical testing. Allele origin: germline.

NM_173630.4(RTTN):c.3332G>C (p.Gly1111Ala)

Gene: RTTN (rotatin; minus strand). Cytogenetic location: 18q22.2.
Variant type: single nucleotide variant.
Coding change: c.3332G>C on transcript NM_173630.4 (MANE Select); coding-DNA position 3332, G replaced by C.
Protein change: p.Gly1111Ala; replaces glycine 1111 with alanine.
Molecular consequence: missense variant.
Genome position (GRCh38, 1-based): chr18:70,127,553, C>G on the plus strand (G>C on the coding strand, the complement: RTTN is on the minus strand). VCF-style: chr18-70127553-C-G. GRCh37 (hg19) VCF-style: chr18-67794789-C-G.
Other names: c.596G>C, p.Gly199Ala (NM_001318520.2); c.3332G>C (NM_173630.3); short protein forms G199A, G1111A.
Identifiers: ClinVar variation 1457846 (VCV001457846.10), dbSNP rs191606870, ClinGen allele CA8995620.